The following is an entry in ClinVar:

NM_006009.4(TUBA1A):c.455T>A (p.Leu152Gln)

Gene: TUBA1A (tubulin alpha 1a; minus strand). Cytogenetic location: 12q13.12.
Variant type: single nucleotide variant.
Coding change: c.455T>A on transcript NM_006009.4 (MANE Select); coding-DNA position 455, T replaced by A.
Protein change: p.Leu152Gln; replaces leucine 152 with glutamine.
Molecular consequence: missense variant.
Genome position (GRCh38, 1-based): chr12:49,185,911, A>T on the plus strand (T>A on the coding strand, the complement: TUBA1A is on the minus strand). VCF-style: chr12-49185911-A-T. GRCh37 (hg19) VCF-style: chr12-49579694-A-T.
Other names: c.455T>A, p.Leu152Gln (NM_001270399.2); c.350T>A, p.Leu117Gln (NM_001270400.2); short protein forms L152Q, L117Q.
Identifiers: ClinVar variation 381536 (VCV000381536.4), dbSNP rs1057521063, ClinGen allele CA16606634.

ClinVar aggregate classification (germline): Likely pathogenic. Review status: criteria provided, multiple submitters, no conflicts (2 of 4 stars). 3 submissions from 3 submitters: Likely pathogenic (2). 1 of the submissions does not count toward it. Last evaluated 2018-07-01.

Conditions:
Tubulinopathy. Also called: Tubulinopathies. Identifiers: MedGen CN850169, MONDO:0100153.
Movement disorder. Also called: Abnormality of movement; Movement disorders. Identifiers: MedGen C0026650, MONDO:0005395, HP:0100022.

Submissions (3):

Institute of Human Genetics, FAU Erlangen, Friedrich-Alexander-Universität Erlangen-Nürnberg
Classification: Likely pathogenic for Tubulinopathies. Last evaluated: 2018-07-01. Review status: criteria provided, single submitter. Criteria: ACMG Guidelines, 2015. Collection method: literature only. Allele origin: germline. Affected: yes. Observed: 1 variant allele.
Comment: The c.455T>A, p.(Leu152Gln) variant has been reported as a variant of germline/unknown origin.

GeneDx
Classification: Likely pathogenic. Last evaluated: 2016-10-12. Review status: criteria provided, single submitter. Criteria: GeneDx Variant Classification (06012015). Collection method: clinical testing. Allele origin: germline. Affected: yes.
Comment: A published L152Q variant that is likely pathogenic has been identified in the TUBA1A gene. The L152Q variant has been reported previously as a de novo change in an individual with cerebellum and corpus callosum anomalies, periventricular leukomalacia, and diplegia (McMichael et al., 2015). It was not observed in approximately 6,500 individuals of European and African American ancestry in the NHLBI Exome Sequencing Project, indicating it is not a common benign variant in these populations. The L152Q variant is a non-conservative amino acid substitution, which is likely to impact secondary protein structure as these residues differ in polarity, charge, size and/or other properties. This substitution occurs at a position that is conserved across species, and in silico analysis predicts this variant is probably damaging to the protein structure/function. Therefore, this variant is likely pathogenic; however, the possibility that it is benign cannot be excluded.

Yale Center for Mendelian Genomics, Yale University
Classification: Uncertain significance for Movement disorder. Last evaluated: 2020-09-28. Review status: no assertion criteria provided. Collection method: literature only. Allele origin: de novo. Affected: yes. Observed: 1 heterozygote. Study: Yale Center for Mendelian Genomics. Not counted in ClinVar's aggregate classification.

Literature cited by the submitters: PubMed 30744660 (cited by Institute of Human Genetics, FAU Erlangen, Friedrich-Alexander-Universität Erlangen-Nürnberg); DOI 10.1101/427948 (cited by Institute of Human Genetics, FAU Erlangen, Friedrich-Alexander-Universität Erlangen-Nürnberg); PubMed 32989326 (cited by Yale Center for Mendelian Genomics, Yale University).